The following is an entry in ClinVar:

ClinVar aggregate classification (germline): Conflicting classifications of pathogenicity. Review status: criteria provided, conflicting classifications (1 of 4 stars). 5 submissions from 5 submitters: Uncertain significance (2); Likely benign (3). Last evaluated 2025-12-09.

Conditions:
Inborn genetic diseases. Identifiers: MedGen C0950123, MeSH D030342.
Focal segmental glomerulosclerosis 5 (FSGS5). Identifiers: Orphanet 656, MedGen C2750475, MONDO:0013191, OMIM 613237.
Charcot-Marie-Tooth disease dominant intermediate E. Also called: CHARCOT-MARIE-TOOTH NEUROPATHY WITH FOCAL SEGMENTAL GLOMERULONEPHRITIS. Identifiers: Orphanet 93114, MedGen C4302667, MONDO:0013758, OMIM 614455.

Allele frequency attached by ClinVar (database versions not stated): gnomAD 0.00010; ESP Exome Variant Server 0.00016; TOPMed 0.00017.
gnomAD v4.1: 430 of 1,612,044 alleles (0.027%); highest among the groups gnomAD compares: Non-Finnish European, 0.034%; no homozygotes.

Submissions (5):

Labcorp Genetics (formerly Invitae), Labcorp
Classification: Uncertain significance for Charcot-Marie-Tooth disease dominant intermediate E; Focal segmental glomerulosclerosis 5. Last evaluated: 2025-12-09. Review status: criteria provided, single submitter. Criteria: Invitae Variant Classification Sherloc (09022015). Collection method: clinical testing. Allele origin: germline.
Comment: This sequence change replaces glycine, which is neutral and non-polar, with valine, which is neutral and non-polar, at codon 830 of the INF2 protein (p.Gly830Val). This variant is present in population databases (rs377340315, gnomAD 0.03%), and has an allele count higher than expected for a pathogenic variant. This variant has not been reported in the literature in individuals affected with INF2-related conditions. ClinVar contains an entry for this variant (Variation ID: 579867). Experimental studies and prediction algorithms are not available or were not evaluated, and the functional significance of this variant is currently unknown. In summary, the available evidence is currently insufficient to determine the role of this variant in disease. Therefore, it has been classified as a Variant of Uncertain Significance.

CeGaT Center for Human Genetics Tuebingen
Classification: Likely benign. Last evaluated: 2025-09-01. Review status: criteria provided, single submitter. Criteria: CeGaT Center For Human Genetics Tuebingen Variant Classification Criteria Version 2. Collection method: clinical testing. Allele origin: germline. Affected: yes. Observed: 2 variant alleles.
Comment: INF2: BP4

Women's Health and Genetics/Laboratory Corporation of America, LabCorp
Classification: Likely benign. Last evaluated: 2024-11-25. Review status: criteria provided, single submitter. Criteria: LabCorp Variant Classification Summary - May 2015. Collection method: clinical testing. Allele origin: germline.
Comment: Variant summary: INF2 c.2489G>T (p.Gly830Val) results in a non-conservative amino acid change in the encoded protein sequence. Four of five in-silico tools predict a damaging effect of the variant on protein function. The variant allele was found at a frequency of 0.00015 in 245590 control chromosomes, predominantly at a frequency of 0.00032 within the Non-Finnish European subpopulation in the gnomAD database. The observed variant frequency within Non-Finnish European control individuals in the gnomAD database is approximately 512 fold of the estimated maximal expected allele frequency for a pathogenic variant in INF2 causing Charcot-Marie-Tooth disease dominant intermediate E phenotype (6.3e-07). To our knowledge, no occurrence of c.2489G>T in individuals affected with Charcot-Marie-Tooth disease dominant intermediate E and no experimental evidence demonstrating its impact on protein function have been reported. ClinVar contains an entry for this variant (Variation ID: 579867). Based on the evidence outlined above, the variant was classified as likely benign.

Revvity Omics, Revvity
Classification: Uncertain significance. Last evaluated: 2023-05-12. Review status: criteria provided, single submitter. Criteria: ACMG Guidelines, 2015. Collection method: clinical testing. Allele origin: germline.

Ambry Genetics
Classification: Likely benign for Inborn genetic diseases. Last evaluated: 2019-11-14. Review status: criteria provided, single submitter. Criteria: Ambry Variant Classification Scheme 2023. Collection method: clinical testing. Allele origin: germline.

NM_022489.4(INF2):c.2489G>T (p.Gly830Val)

Gene: INF2 (inverted formin 2; plus strand). Cytogenetic location: 14q32.33.
Variant type: single nucleotide variant.
Coding change: c.2489G>T on transcript NM_022489.4 (MANE Select); coding-DNA position 2489, G replaced by T.
Protein change: p.Gly830Val; replaces glycine 830 with valine.
Molecular consequence: missense variant.
Genome position (GRCh38, 1-based): chr14:104,711,699, G>T. VCF-style: chr14-104711699-G-T. GRCh37 (hg19) VCF-style: chr14-105178036-G-T.
Other names: c.2489G>T, p.Gly830Val (NM_001031714.4); short protein forms G830V.
Identifiers: ClinVar variation 579867 (VCV000579867.23), dbSNP rs377340315, ClinGen allele CA7372946.